The following is an entry in ClinVar:

NM_004415.4(DSP):c.2199C>G (p.Phe733Leu)

Gene: DSP (desmoplakin; plus strand). Cytogenetic location: 6p24.3.
Variant type: single nucleotide variant.
Coding change: c.2199C>G on transcript NM_004415.4 (MANE Select); coding-DNA position 2199, C replaced by G.
Protein change: p.Phe733Leu; replaces phenylalanine 733 with leucine.
Molecular consequence: missense variant.
Genome position (GRCh38, 1-based): chr6:7,574,154, C>G. VCF-style: chr6-7574154-C-G. GRCh37 (hg19) VCF-style: chr6-7574387-C-G.
Other names: c.2199C>G (LRG_423t1); c.2199C>G, p.Phe733Leu (NM_001008844.3, NM_001319034.2); short protein forms F733L.
Identifiers: ClinVar variation 640278 (VCV000640278.11), dbSNP rs1306942907, ClinGen allele CA362680785.

ClinVar aggregate classification (germline): Uncertain significance. Review status: criteria provided, multiple submitters, no conflicts (2 of 4 stars). 3 submissions from 3 submitters: Uncertain significance (3). Last evaluated 2026-05-07.

Conditions:
Cardiovascular phenotype. Identifiers: MedGen CN230736.
Arrhythmogenic cardiomyopathy with wooly hair and keratoderma. Also called: PALMOPLANTAR KERATODERMA WITH LEFT VENTRICULAR CARDIOMYOPATHY AND WOOLLY HAIR; Dilated cardiomyopathy with woolly hair and keratoderma; Arrhythmogenic cardiomyopathy with woolly hair and keratoderma; Carvajal syndrome. Identifiers: Orphanet 65282, MedGen C1854063, MONDO:0011581, OMIM 605676.
Arrhythmogenic right ventricular dysplasia 8 (ARVD8). Also called: Arrhythmogenic Right Ventricular Dysplasia/Cardiomyopathy 8; ARRHYTHMOGENIC RIGHT VENTRICULAR DYSPLASIA, FAMILIAL, 8; ARRHYTHMOGENIC RIGHT VENTRICULAR CARDIOMYOPATHY 8. Identifiers: MedGen C1843896, MONDO:0011831, OMIM 607450.

Submissions (3):

Ambry Genetics
Classification: Uncertain significance for Cardiovascular phenotype. Last evaluated: 2026-05-07. Review status: criteria provided, single submitter. Criteria: Ambry Variant Classification Scheme 2023. Collection method: clinical testing. Allele origin: germline.
Comment: The p.F733L variant (also known as c.2199C>G), located in coding exon 16 of the DSP gene, results from a C to G substitution at nucleotide position 2199. The phenylalanine at codon 733 is replaced by leucine, an amino acid with highly similar properties. This amino acid position is highly conserved in available vertebrate species. In addition, the in silico prediction for this alteration is inconclusive. Based on the available evidence, the clinical significance of this variant remains unclear.

All of Us Research Program, National Institutes of Health
Classification: Uncertain significance for Arrhythmogenic cardiomyopathy with wooly hair and keratoderma. Last evaluated: 2023-10-06. Review status: criteria provided, single submitter. Criteria: ACMG Guidelines, 2015. Collection method: clinical testing. Allele origin: germline. Inheritance: Autosomal dominant inheritance. Observed: 1 variant allele, 1 heterozygote.
Comment: This missense variant replaces phenylalanine with leucine at codon 733 of the DSP protein. Computational prediction suggests that this variant may not impact protein structure and function (internally defined REVEL score threshold <= 0.5, PMID: 27666373). To our knowledge, functional studies have not been reported for this variant. This variant has not been reported in individuals affected with cardiovascular disorders in the literature. This variant has not been identified in the general population by the Genome Aggregation Database (gnomAD). The available evidence is insufficient to determine the role of this variant in disease conclusively. Therefore, this variant is classified as a Variant of Uncertain Significance.

This study involves interpretation of variants in research participants for the purpose of population health screening. Participant phenotype was not available at the time of variant classification. Additional details can be found in publication PMID: 35346344, PMCID: PMC8962531

Labcorp Genetics (formerly Invitae), Labcorp
Classification: Uncertain significance for Arrhythmogenic cardiomyopathy with wooly hair and keratoderma; Arrhythmogenic right ventricular dysplasia 8. Last evaluated: 2022-10-10. Review status: criteria provided, single submitter. Criteria: Invitae Variant Classification Sherloc (09022015). Collection method: clinical testing. Allele origin: germline.
Comment: This sequence change replaces phenylalanine, which is neutral and non-polar, with leucine, which is neutral and non-polar, at codon 733 of the DSP protein (p.Phe733Leu). In summary, the available evidence is currently insufficient to determine the role of this variant in disease. Therefore, it has been classified as a Variant of Uncertain Significance. Algorithms developed to predict the effect of missense changes on protein structure and function (SIFT, PolyPhen-2, Align-GVGD) all suggest that this variant is likely to be tolerated. ClinVar contains an entry for this variant (Variation ID: 640278). This variant has not been reported in the literature in individuals affected with DSP-related conditions. This variant is not present in population databases (gnomAD no frequency).